The following is an entry in ClinVar:

NM_152443.3(RDH12):c.792del (p.Ser265fs)

Genes: GPHN (gephyrin; plus strand), RDH12 (retinol dehydrogenase 12; plus strand), ZFYVE26 (zinc finger FYVE-type containing 26; minus strand). Cytogenetic location: 14q24.1.
Variant type: Deletion.
Coding change: c.792del on transcript NM_152443.3 (MANE Select); coding-DNA position 792, one base deleted (C; older notation c.792delC).
Protein change: p.Ser265fs; shifts the reading frame from serine 265.
Molecular consequence: frameshift variant.
Genome position (GRCh38, 1-based): chr14:67,729,324, C deleted; the last of 2 consecutive C bases (chr14:67,729,323-67,729,324); deleting either gives the same sequence. VCF-style (leftmost placement, unchanged base first): chr14-67729322-AC-A. GRCh37 (hg19) VCF-style: chr14-68196039-AC-A.
Other names: short protein forms S265fs.
Identifiers: ClinVar variation 3652822 (VCV003652822.2).
Genomic context (GRCh38, chr14:67,729,322, plus strand): 5'-CTCTGCCTGCTCTGGCGGCTCTTCTCCCCCTTTGTCAAGACGGCACGGGAGGGGGCGCAG[AC>A]CAGCCTGCACTGCGCCCTGGCTGAGGGCCTGGAGCCCCTGAGTGGCAAGTACTTCAGGTG-3'

ClinVar aggregate classification (germline): Pathogenic (1 of 4 stars; one submission).

Conditions:
Leber congenital amaurosis 13 (LCA13). Identifiers: MedGen C2675186, MONDO:0012990, OMIM 612712.

Submission:

Labcorp Genetics (formerly Invitae), Labcorp
Classification: Pathogenic for Leber congenital amaurosis 13. Last evaluated: 2024-05-09. Review status: criteria provided, single submitter. Criteria: Invitae Variant Classification Sherloc (09022015). Collection method: clinical testing. Allele origin: germline.
Comment: This sequence change creates a premature translational stop signal (p.Ser265Alafs*13) in the RDH12 gene. While this is not anticipated to result in nonsense mediated decay, it is expected to disrupt the last 52 amino acid(s) of the RDH12 protein. This variant is not present in population databases (gnomAD no frequency). This variant has not been reported in the literature in individuals affected with RDH12-related conditions. This variant disrupts a region of the RDH12 protein in which other variant(s) (p.Trp304*) have been determined to be pathogenic (PMID: 20736127, 24625443). This suggests that this is a clinically significant region of the protein, and that variants that disrupt it are likely to be disease-causing. For these reasons, this variant has been classified as Pathogenic.

Literature cited by the submitters: PubMed 20736127; PubMed 24625443.